The following is an entry in ClinVar:

NM_000321.3(RB1):c.2593G>T (p.Gly865Ter)

Gene: RB1 (RB transcriptional corepressor 1; plus strand). Cytogenetic location: 13q14.2.
Variant type: single nucleotide variant.
Coding change: c.2593G>T on transcript NM_000321.3 (MANE Select); coding-DNA position 2593, G replaced by T.
Protein change: p.Gly865Ter; replaces glycine 865 with a stop codon.
Molecular consequence: nonsense.
Genome position (GRCh38, 1-based): chr13:48,476,773, G>T. VCF-style: chr13-48476773-G-T. GRCh37 (hg19) VCF-style: chr13-49050909-G-T.
Other names: short protein forms G865*.
Identifiers: ClinVar variation 944559 (VCV000944559.7), dbSNP rs1949506548, ClinGen allele CA388157384.

ClinVar aggregate classification (germline): Pathogenic (1 of 4 stars; one submission).

Conditions:
Retinoblastoma (RB1). Also called: RETINOBLASTOMA, SOMATIC. Identifiers: Orphanet 790, MedGen C0035335, MeSH D012175, MONDO:0008380, OMIM 180200, HP:0009919. Disease mechanism: loss of function. Inheritance: Both sporadic and heritable forms are tested..

Submission:

Labcorp Genetics (formerly Invitae), Labcorp
Classification: Pathogenic for Retinoblastoma. Last evaluated: 2019-05-13. Review status: criteria provided, single submitter. Criteria: Invitae Variant Classification Sherloc (09022015). Collection method: clinical testing. Allele origin: germline.
Comment: This sequence change creates a premature translational stop signal (p.Gly865*) in the RB1 gene. It is expected to result in an absent or disrupted protein product. This variant is not present in population databases (ExAC no frequency). This variant has not been reported in the literature in individuals with RB1-related conditions. Loss-of-function variants in RB1 are known to be pathogenic (PMID: 17096365). For these reasons, this variant has been classified as Pathogenic.

Literature cited by the submitters: PubMed 17096365.